The following is an entry in ClinVar:

ClinVar aggregate classification (germline): Likely benign (0 of 4 stars; one submission).

Conditions:
DAB1-related disorder. Also called: DAB1-related condition.

gnomAD v4.1: 25 of 1,613,894 alleles (0.0015%); highest among the groups gnomAD compares: East Asian, 0.054%; no homozygotes.

Submission:

PreventionGenetics, part of Exact Sciences
Classification: Likely benign for DAB1-related condition. Last evaluated: 2024-09-08. Review status: no assertion criteria provided. Collection method: clinical testing. Allele origin: germline.
Comment: This variant is classified as likely benign based on ACMG/AMP sequence variant interpretation guidelines (Richards et al. 2015 PMID: 25741868, with internal and published modifications).

NM_001365792.1(DAB1):c.1229T>C (p.Met410Thr)

Gene: DAB1 (DAB adaptor protein 1; minus strand). Cytogenetic location: 1p32.2.
Variant type: single nucleotide variant.
Coding change: c.1229T>C on transcript NM_001365792.1 (MANE Select); coding-DNA position 1229, T replaced by C.
Protein change: p.Met410Thr; replaces methionine 410 with threonine.
Molecular consequence: missense variant.
Genome position (GRCh38, 1-based): chr1:57,015,098, A>G on the plus strand (T>C on the coding strand, the complement: DAB1 is on the minus strand). VCF-style: chr1-57015098-A-G. GRCh37 (hg19) VCF-style: chr1-57480771-A-G.
Other names: c.1229T>C, p.Met410Thr (NM_001353983.2, NM_001353985.2, NM_001365793.1 and 2 more transcripts); c.1223T>C, p.Met408Thr (NM_001353986.2, NM_001379461.1); short protein forms M408T, M410T.
Identifiers: ClinVar variation 3358362 (VCV003358362.1).
Genomic context (GRCh38, chr1:57,015,098, plus strand): 5'-TTGCGGGAGGGCACGGGCGGAGGCTGGGCCATCTGGAAATCCTTAAACGTTTCTTTGCCC[A>G]TTTTCTGCCTGGGCTTGTCGGTCTGTGGACTTGACCTGGTGGAGTCACTCGTGCCTGGGA-3'
Protein context (NP_001352721.1, residues 400-420): SPQTDKPRQK[Met410Thr]GKETFKDFQM